The following is an entry in ClinVar:

NM_001199107.2(TBC1D24):c.210C>A (p.Asp70Glu)

Gene: TBC1D24 (TBC1 domain family member 24; plus strand). Cytogenetic location: 16p13.3.
Variant type: single nucleotide variant.
Coding change: c.210C>A on transcript NM_001199107.2 (MANE Select); coding-DNA position 210, C replaced by A.
Protein change: p.Asp70Glu; replaces aspartic acid 70 with glutamic acid.
Molecular consequence: missense variant.
Genome position (GRCh38, 1-based): chr16:2,496,358, C>A. VCF-style: chr16-2496358-C-A. GRCh37 (hg19) VCF-style: chr16-2546359-C-A.
Other names: c.210C>A, p.Asp70Glu (NM_020705.3); short protein forms D70E.
Identifiers: ClinVar variation 2503271 (VCV002503271.4), dbSNP rs373872223, ClinGen allele CA394374994.
Genomic context (GRCh38, chr16:2,496,358, plus strand): 5'-GCGGGGAAAGGTGTACCAGCGCCTGATCCGGGACATTCCCTGCCGCACGGTCACGCCTGA[C>A]GCCAGCGTGTACAGCGACATCGTGGGCAAGATCGTGGGCAAGCACAGCAGCAGCTGCCTG-3'
Protein context (NP_001186036.1, residues 60-80): RDIPCRTVTP[Asp70Glu]ASVYSDIVGK

ClinVar aggregate classification (germline): Uncertain significance. Review status: criteria provided, multiple submitters, no conflicts (2 of 4 stars). 2 submissions from 2 submitters: Uncertain significance (2). Last evaluated 2023-11-22.

Conditions:
Developmental and epileptic encephalopathy, 1 (DEE1). Also called: INFANTILE SPASM SYNDROME, X-LINKED 1; X-linked infantile spasms; West's syndrome; Tonic spasms with clustering, arrest of psychomotor development and hypsarrhythmia on EEG; X-Linked Infantile Spasm Syndrome; OHTAHARA SYNDROME, X-LINKED. Identifiers: MedGen C3463992, MONDO:0010632, OMIM 308350. Disease mechanism: loss of function.
Autosomal dominant nonsyndromic hearing loss 65. Also called: Deafness, autosomal dominant 65; TBC1D24-Related Autosomal Dominant Nonsyndromic Hearing Loss (DFNA). Identifiers: Orphanet 90635, MedGen C3892048, MONDO:0014470, OMIM 616044.

gnomAD v4.1: 2 of 1,613,472 alleles (0.00012%); highest among the groups gnomAD compares: Non-Finnish European, 0.00017%; no homozygotes.

Submissions (2):

Labcorp Genetics (formerly Invitae), Labcorp
Classification: Uncertain significance for Developmental and epileptic encephalopathy, 1; Autosomal dominant nonsyndromic hearing loss 65. Last evaluated: 2023-11-22. Review status: criteria provided, single submitter. Criteria: Invitae Variant Classification Sherloc (09022015). Collection method: clinical testing. Allele origin: germline.
Comment: This sequence change replaces aspartic acid, which is acidic and polar, with glutamic acid, which is acidic and polar, at codon 70 of the TBC1D24 protein (p.Asp70Glu). This variant is not present in population databases (gnomAD no frequency). This variant has not been reported in the literature in individuals affected with TBC1D24-related conditions. ClinVar contains an entry for this variant (Variation ID: 2503271). Advanced modeling of protein sequence and biophysical properties (such as structural, functional, and spatial information, amino acid conservation, physicochemical variation, residue mobility, and thermodynamic stability) has been performed at Invitae for this missense variant, however the output from this modeling did not meet the statistical confidence thresholds required to predict the impact of this variant on TBC1D24 protein function. In summary, the available evidence is currently insufficient to determine the role of this variant in disease. Therefore, it has been classified as a Variant of Uncertain Significance.

GeneDx
Classification: Uncertain significance. Last evaluated: 2023-05-26. Review status: criteria provided, single submitter. Criteria: GeneDx Variant Classification Process June 2021. Collection method: clinical testing. Allele origin: germline. Affected: yes.
Comment: Not observed at significant frequency in large population cohorts (gnomAD); In silico analysis supports that this missense variant does not alter protein structure/function; Has not been previously published as pathogenic or benign to our knowledge